The following is an entry in ClinVar:

NM_006623.4(PHGDH):c.902_903delinsACTGTCTCTTATA (p.Val301fs)

Gene: PHGDH (phosphoglycerate dehydrogenase; plus strand). Cytogenetic location: 1p12.
Variant type: Indel.
Coding change: c.902_903delinsACTGTCTCTTATA on transcript NM_006623.4 (MANE Select); coding-DNA positions 902 to 903, TT replaced by ACTGTCTCTTATA.
Protein change: p.Val301fs; shifts the reading frame from valine 301.
Molecular consequence: frameshift variant.
Genome position (GRCh38, 1-based): chr1:119,737,223-119,737,224, TT replaced by ACTGTCTCTTATA. VCF-style: chr1-119737223-TT-ACTGTCTCTTATA. GRCh37 (hg19) VCF-style: chr1-120279846-TT-ACTGTCTCTTATA.
Other names: short protein forms V301fs.
Identifiers: ClinVar variation 5011111 (VCV005011111.1).

ClinVar aggregate classification (germline): Pathogenic (1 of 4 stars; one submission).

Conditions:
Neurometabolic disorder due to serine deficiency. Identifiers: Orphanet 35705, MedGen C5680148, MONDO:0018162.

Submission:

Myriad Genetics, Inc.
Classification: Pathogenic for Neurometabolic disorder due to serine deficiency. Last evaluated: 2024-05-14. Review status: criteria provided, single submitter. Criteria: Myriad Autosomal Dominant, Autosomal Recessive and X-Linked Classification Criteria (2023). Collection method: clinical testing. Allele origin: unknown.
Comment: NM_006623.3(PHGDH):c.902_903del2ins13(V301Dfs*11) is expected to be pathogenic in the context of serine deficiency disorder, PHGDH-related. This variant is predicted to lead to an abnormal or absent protein product due to the creation of a premature termination codon in PHGDH, a gene where loss-of-function variants are known to be pathogenic. Please note: this variant was assessed in the context of healthy population screening.